The following is an entry in ClinVar:

NM_032043.3(BRIP1):c.2029_2049del (p.Gly677_Val683del)

Gene: BRIP1 (BRCA1 interacting DNA helicase 1; minus strand). Cytogenetic location: 17q23.2.
Variant type: Deletion.
Coding change: c.2029_2049del on transcript NM_032043.3 (MANE Select); coding-DNA positions 2029 to 2049, 21 bases deleted (GGAGCACTTTTGTTATCTGTG).
Protein change: p.Gly677_Val683del.
Molecular consequence: inframe deletion.
Genome position (GRCh38, 1-based): chr17:61,776,449-61,776,469, CACAGATAACAAAAGTGCTCC deleted on the plus strand (GGAGCACTTTTGTTATCTGTG on the coding strand, the reverse complement: BRIP1 is on the minus strand); deleting any 21 consecutive bases within chr17:61,776,449-61,776,472 gives the same sequence; the c. name uses the placement nearest the transcript's 3' end. VCF-style (leftmost placement, unchanged base first): chr17-61776448-ACACAGATAACAAAAGTGCTCC-A. GRCh37 (hg19) VCF-style: chr17-59853809-ACACAGATAACAAAAGTGCTCC-A.
Other names: c.2029_2049del21 (NM_032043.2).
Identifiers: ClinVar variation 933616 (VCV000933616.10), dbSNP rs2077534052, ClinGen allele CA1139665776.

ClinVar aggregate classification (germline): Uncertain significance. Review status: criteria provided, multiple submitters, no conflicts (2 of 4 stars). 2 submissions from 2 submitters: Uncertain significance (2). Last evaluated 2023-06-22.

Conditions:
Fanconi anemia complementation group J. Also called: BRIP1-Related Fanconi Anemia. Identifiers: Orphanet 84, MedGen C1836860, MONDO:0012187, OMIM 609054.
Familial cancer of breast. Also called: BREAST CANCER, FAMILIAL; hereditary breast carcinoma; Hereditary breast cancer. Identifiers: Orphanet 227535, MedGen C0346153, MONDO:0016419, OMIM 114480. Disease mechanism: loss of function.
Hereditary cancer-predisposing syndrome. Also called: Tumor predisposition; Hereditary neoplastic syndrome; Neoplastic Syndromes, Hereditary; Hereditary Cancer Syndrome. Identifiers: Orphanet 140162, MedGen C0027672, MeSH D009386, MONDO:0015356.

Submissions (2):

Ambry Genetics
Classification: Uncertain significance for Hereditary cancer-predisposing syndrome. Last evaluated: 2023-06-22. Review status: criteria provided, single submitter. Criteria: Ambry Variant Classification Scheme 2023. Collection method: clinical testing. Allele origin: germline.
Comment: The c.2029_2049del21 variant (also known as p.G677_V683del) is located in coding exon 13 of the BRIP1 gene. This variant results from an in-frame deletion of 21 nucleotides at nucleotide positions 2029 to 2049. This results in the in-frame deletion of 7 amino acids (GALLLSV) at codons 677 to 683. These amino acid positions are generally well conserved in available vertebrate species. This alteration was detected in a patient with a personal and family history of ovarian cancer (Flaum N et al. Genet Med, 2022 Dec;24:2578-2586). Since supporting evidence is limited at this time, the clinical significance of this alteration remains unclear.

Labcorp Genetics (formerly Invitae), Labcorp
Classification: Uncertain significance for Familial cancer of breast; Fanconi anemia complementation group J. Last evaluated: 2021-12-06. Review status: criteria provided, single submitter. Criteria: Invitae Variant Classification Sherloc (09022015). Collection method: clinical testing. Allele origin: germline.
Comment: In summary, the available evidence is currently insufficient to determine the role of this variant in disease. Therefore, it has been classified as a Variant of Uncertain Significance. ClinVar contains an entry for this variant (Variation ID: 933616). This variant has not been reported in the literature in individuals affected with BRIP1-related conditions. This variant is not present in population databases (gnomAD no frequency). This variant, c.2029_2049del, results in the deletion of 7 amino acid(s) of the BRIP1 protein (p.Gly677_Val683del), but otherwise preserves the integrity of the reading frame.

Literature cited by the submitters: PubMed 36169650 (cited by Ambry Genetics).